The following is an entry in ClinVar:

ClinVar aggregate classification (germline): Uncertain significance (1 of 4 stars; one submission).

Submission:

Labcorp Genetics (formerly Invitae), Labcorp
Classification: Uncertain significance. Last evaluated: 2024-08-06. Review status: criteria provided, single submitter. Criteria: Invitae Variant Classification Sherloc (09022015). Collection method: clinical testing. Allele origin: germline.
Comment: This sequence change replaces proline, which is neutral and non-polar, with leucine, which is neutral and non-polar, at codon 708 of the ALPK3 protein (p.Pro708Leu). This variant is not present in population databases (gnomAD no frequency). This variant has not been reported in the literature in individuals affected with ALPK3-related conditions. An algorithm developed to predict the effect of missense changes on protein structure and function outputs the following: PolyPhen-2: "Benign". The leucine amino acid residue is found in multiple mammalian species, which suggests that this missense change does not adversely affect protein function. In summary, the available evidence is currently insufficient to determine the role of this variant in disease. Therefore, it has been classified as a Variant of Uncertain Significance.

NM_020778.5(ALPK3):c.1517C>T (p.Pro506Leu)

Genes: ALPK3 (alpha kinase 3; plus strand), LOC111718493 (skeletal muscle cis-regulatory module overlapping ALPK3; plus strand). Cytogenetic location: 15q25.3.
Variant type: single nucleotide variant.
Coding change: c.1517C>T on transcript NM_020778.5 (MANE Select); coding-DNA position 1517, C replaced by T.
Protein change: p.Pro506Leu; replaces proline 506 with leucine.
Molecular consequence: missense variant.
Genome position (GRCh38, 1-based): chr15:84,840,796, C>T. VCF-style: chr15-84840796-C-T. GRCh37 (hg19) VCF-style: chr15-85384027-C-T.
Other names: short protein forms P506L.
Identifiers: ClinVar variation 3706517 (VCV003706517.2).
Genomic context (GRCh38, chr15:84,840,796, plus strand): 5'-CAAAGCCCAAAGGAGAGGCCACCACTGACAGCAAGCCCATTTCTTCTCTGAGTCAAGCTC[C>T]AGAATGCGGGGCCCAGAGCTTAGGAAAGGCCCCACCTCAGGCCTCTGTGCAGGTGCCGAC-3'
Protein context (NP_065829.4, residues 496-516): SKPISSLSQA[Pro506Leu]ECGAQSLGKA